The following is an entry in ClinVar:

ClinVar aggregate classification (germline): Uncertain significance (1 of 4 stars; one submission).

Conditions:
Welander distal myopathy (WDM). Also called: Gower's muscular dystrophy; Welander distal myopathy, Swedish type; Distal myopathy, Swedish type; MUSCULAR DYSTROPHY, DISTAL, LATE-ONSET, AUTOSOMAL DOMINANT. Identifiers: Orphanet 603, MedGen C0221054, MONDO:0011466, OMIM 604454.

Allele frequency attached by ClinVar (database versions not stated): TOPMed below 0.00001.

Submission:

Labcorp Genetics (formerly Invitae), Labcorp
Classification: Uncertain significance for Welander distal myopathy. Last evaluated: 2023-05-12. Review status: criteria provided, single submitter. Criteria: Invitae Variant Classification Sherloc (09022015). Collection method: clinical testing. Allele origin: germline.
Comment: This variant has not been reported in the literature in individuals affected with TIA1-related conditions. In summary, the available evidence is currently insufficient to determine the role of this variant in disease. Therefore, it has been classified as a Variant of Uncertain Significance. Advanced modeling of protein sequence and biophysical properties (such as structural, functional, and spatial information, amino acid conservation, physicochemical variation, residue mobility, and thermodynamic stability) performed at Invitae indicates that this missense variant is not expected to disrupt TIA1 protein function. This variant is present in population databases (no rsID available, gnomAD 0.002%). This sequence change replaces phenylalanine, which is neutral and non-polar, with leucine, which is neutral and non-polar, at codon 53 of the TIA1 protein (p.Phe53Leu).

NM_022173.4(TIA1):c.159T>G (p.Phe53Leu)

Gene: TIA1 (TIA1 cytotoxic granule associated RNA binding protein; minus strand). Cytogenetic location: 2p13.3.
Variant type: single nucleotide variant.
Coding change: c.159T>G on transcript NM_022173.4 (MANE Select); coding-DNA position 159, T replaced by G.
Protein change: p.Phe53Leu; replaces phenylalanine 53 with leucine.
Molecular consequence: missense variant. On other transcripts: non-coding transcript variant (17), 5 prime UTR variant (6).
Genome position (GRCh38, 1-based): chr2:70,230,819, A>C on the plus strand (T>G on the coding strand, the complement: TIA1 is on the minus strand). VCF-style: chr2-70230819-A-C. GRCh37 (hg19) VCF-style: chr2-70457951-A-C.
Other names: c.159T>G, p.Phe53Leu (NM_001351508.2, NM_001351510.2, NM_001351516.2 and 5 more transcripts); c.165T>G, p.Phe55Leu (NM_001351509.2, NM_001351520.2); c.48T>G, p.Phe16Leu (NM_001351511.1, NM_001351513.1); c.54T>G, p.Phe18Leu (NM_001351512.1); c.-37T>G (NM_001351514.2, NM_001351523.2); c.-231T>G (NM_001351515.2); c.-480T>G (NM_001351517.2); c.-257T>G (NM_001351524.2); and 1 more; short protein forms F16L, F53L, F55L, F18L.
Identifiers: ClinVar variation 3023854 (VCV003023854.3), dbSNP rs1173937633, ClinGen allele CA347157726.